The following is an entry in ClinVar:

ClinVar aggregate classification (germline): Conflicting classifications of pathogenicity. Review status: criteria provided, conflicting classifications (1 of 4 stars). 3 submissions from 3 submitters: Uncertain significance (1); Benign (1); Likely benign (1). Last evaluated 2025-12-13.

Conditions:
Pulmonary hypertension, primary, 1 (PPH1). Also called: Pulmonary hypertension, familial primary, 1, with or without HHT. Identifiers: Orphanet 422, MedGen C4552070, MONDO:0024533, OMIM 178600.
Primary pulmonary hypertension. Also called: Idiopathic pulmonary hypertension. Identifiers: MedGen C0152171.

Allele frequency attached by ClinVar (database versions not stated): ExAC 0.00006; gnomAD exomes 0.00008 and 0.00016; TOPMed 0.00011; gnomAD 0.00013 and 0.00014; ESP Exome Variant Server 0.00023.
gnomAD v4.1: 245 of 1,545,018 alleles (0.016%); highest among the groups gnomAD compares: Non-Finnish European, 0.021%; no homozygotes.

Submissions (3):

Labcorp Genetics (formerly Invitae), Labcorp
Classification: Likely benign for Primary pulmonary hypertension. Last evaluated: 2025-12-13. Review status: criteria provided, single submitter. Criteria: Invitae Variant Classification Sherloc (09022015). Collection method: clinical testing. Allele origin: germline.

ARUP Laboratories, Molecular Genetics and Genomics, ARUP Laboratories
Classification: Uncertain significance. Last evaluated: 2024-10-22. Review status: criteria provided, single submitter. Criteria: ARUP Molecular Germline Variant Investigation Process 2024. Collection method: clinical testing. Allele origin: germline.
Comment: The BMPR2 c.248-3T>G variant (rs368090069), to our knowledge, is not reported in the medical literature but is reported in ClinVar (Variation ID: 896821). This variant is found in the general population with an overall allele frequency of 0.009% (27/282,752 alleles) in the Genome Aggregation Database (v2.1.1). This is an intronic variant and computational analyses (Alamut Visual Plus v.1.5.1) predict that this variant does not alter splicing. However, since this variant is located within the minimal splice region, the clinical significance of this variant is uncertain at this time.

Illumina Laboratory Services, Illumina
Classification: Benign for Pulmonary hypertension, primary, 1. Last evaluated: 2018-01-13. Review status: criteria provided, single submitter. Criteria: ICSL Variant Classification Criteria 13 December 2019. Collection method: clinical testing. Allele origin: germline.
Comment: This variant was observed in the ICSL laboratory as part of a predisposition screen in an ostensibly healthy population. It had not been previously curated by ICSL or reported in the Human Gene Mutation Database (HGMD: prior to June 1st, 2018), and was therefore a candidate for classification through an automated scoring system. Utilizing variant allele frequency, disease prevalence and penetrance estimates, and inheritance mode, an automated score was calculated to assess if this variant is too frequent to cause the disease. Based on the score and internal cut-off values, a variant classified as benign is not then subjected to further curation. The score for this variant resulted in a classification of benign for this disease.

NM_001204.7(BMPR2):c.248-3T>C

Gene: BMPR2 (bone morphogenetic protein receptor type 2; plus strand). Cytogenetic location: 2q33.1.
Variant type: single nucleotide variant.
Coding change: c.248-3T>C on transcript NM_001204.7 (MANE Select); 3 bases into the intron before coding-DNA position 248, T replaced by C.
Molecular consequence: intron variant.
Genome position (GRCh38, 1-based): chr2:202,467,516, T>C. VCF-style: chr2-202467516-T-C. GRCh37 (hg19) VCF-style: chr2-203332239-T-C.
Identifiers: ClinVar variation 896821 (VCV000896821.7), dbSNP rs368090069, ClinGen allele CA2061077.